The following is an entry in ClinVar:

NM_170675.5(MEIS2):c.246-2A>G

Gene: MEIS2 (Meis homeobox 2; minus strand). Cytogenetic location: 15q14.
Variant type: single nucleotide variant.
Coding change: c.246-2A>G on transcript NM_170675.5 (MANE Select); the canonical splice acceptor site of the intron before coding-DNA position 246, A replaced by G.
Molecular consequence: splice acceptor variant. On other transcripts: intron variant (1).
Genome position (GRCh38, 1-based): chr15:37,096,432, T>C on the plus strand (A>G on the coding strand, the complement: MEIS2 is on the minus strand). VCF-style: chr15-37096432-T-C. GRCh37 (hg19) VCF-style: chr15-37388633-T-C.
Other names: c.207-2A>G (NM_002399.4, NM_172315.3); c.246-2A>G (NM_001220482.2, NM_170676.5, NM_170674.5 and 1 more transcripts); c.5-25A>G (NM_172316.3).
Identifiers: ClinVar variation 5001408 (VCV005001408.1).

ClinVar aggregate classification (germline): Uncertain significance (1 of 4 stars; one submission).

Conditions:
MEIS2-related disorder.

Submission:

PreventionGenetics, part of Exact Sciences
Classification: Uncertain significance for MEIS2-related condition. Last evaluated: 2025-07-03. Review status: criteria provided, single submitter. Criteria: ACMG Guidelines, 2015. Collection method: clinical testing. Allele origin: germline.
Comment: The MEIS2 c.246-2A>G variant is predicted to disrupt the AG splice acceptor site and interfere with normal splicing. Although this variant is predicted to affect the splice acceptor site, in an alternate transcript (NM_172316.2) this variant is deeper in the intron (c.5-25A>G) and not predicted to affect splicing and would be predicted to lead to an inframe deletion of ~80 amino acids of the main transcript (NM_170674.4) (SpliceAI, Jaganathan et al. 2019. PubMed ID: 30661751). To our knowledge, this variant has not been reported in the literature or in a large population database (gnomAD), indicating this variant is rare. Although we suspect that this variant may be pathogenic, at this time, the clinical significance of this variant is uncertain due to the absence of conclusive functional and genetic evidence.